The following is an entry in ClinVar:

ClinVar aggregate classification (germline): Likely benign. Review status: criteria provided, multiple submitters, no conflicts (2 of 4 stars). 2 submissions from 2 submitters: Likely benign (2). Last evaluated 2024-07-10.

Conditions:
Catecholaminergic polymorphic ventricular tachycardia (CVPT). Also called: Catecholamine-induced polymorphic ventricular tachycardia. Identifiers: Orphanet 3286, MedGen C5574922, MONDO:0017990.
Catecholaminergic polymorphic ventricular tachycardia 1. Also called: VENTRICULAR TACHYCARDIA, CATECHOLAMINERGIC POLYMORPHIC, 1, WITH OR WITHOUT ATRIAL DYSFUNCTION AND/OR DILATED CARDIOMYOPATHY; RYR2-Related Catecholaminergic Polymorphic Ventricular Tachycardia; VENTRICULAR TACHYCARDIA, STRESS-INDUCED POLYMORPHIC 1. Identifiers: Orphanet 3286, MedGen C1631597, MONDO:0011484, OMIM 604772.

Allele frequency attached by ClinVar (database versions not stated): gnomAD exomes below 0.00001; TOPMed below 0.00001.
gnomAD v4.1: 2 of 1,613,776 alleles (0.00012%); highest among the groups gnomAD compares: Non-Finnish European, 0.00017%; no homozygotes.

Submissions (2):

Labcorp Genetics (formerly Invitae), Labcorp
Classification: Likely benign for Catecholaminergic polymorphic ventricular tachycardia 1. Last evaluated: 2024-07-10. Review status: criteria provided, single submitter. Criteria: Invitae Variant Classification Sherloc (09022015). Collection method: clinical testing. Allele origin: germline.

All of Us Research Program, National Institutes of Health
Classification: Likely benign for Catecholaminergic polymorphic ventricular tachycardia. Last evaluated: 2023-09-18. Review status: criteria provided, single submitter. Criteria: ACMG Guidelines, 2015. Collection method: clinical testing. Allele origin: germline. Inheritance: Autosomal dominant inheritance. Observed: 4 variant alleles, 4 heterozygotes.
Comment: This study involves interpretation of variants in research participants for the purpose of population health screening. Participant phenotype was not available at the time of variant classification. Additional details can be found in publication PMID: 35346344, PMCID: PMC8962531

NM_001035.3(RYR2):c.6793-11G>A

Gene: RYR2 (ryanodine receptor 2; plus strand). Cytogenetic location: 1q43.
Variant type: single nucleotide variant.
Coding change: c.6793-11G>A on transcript NM_001035.3 (MANE Select); 11 bases into the intron before coding-DNA position 6793, G replaced by A.
Molecular consequence: intron variant.
Genome position (GRCh38, 1-based): chr1:237,638,346, G>A. VCF-style: chr1-237638346-G-A. GRCh37 (hg19) VCF-style: chr1-237801646-G-A.
Identifiers: ClinVar variation 3071654 (VCV003071654.3), dbSNP rs1681091157, ClinGen allele CA2487422505.
Genomic context (GRCh38, chr1:237,638,346, plus strand): 5'-TTGTATCCAATGTAAGCATCTAATGAGTTTTCAGCCAAGGGATAACTCTTTGTTAATCAT[G>A]TTGTTTGCAGGTAGTTCGTTATTTGGCTGGTTGTGGACTGCAAAGTTGCCAGATGCTGGT-3'